The following is an entry in ClinVar:

ClinVar aggregate classification (germline): Uncertain significance. Review status: criteria provided, multiple submitters, no conflicts (2 of 4 stars). 5 submissions from 5 submitters: Uncertain significance (5). Last evaluated 2026-05-10.

Conditions:
Inborn genetic diseases. Identifiers: MedGen C0950123, MeSH D030342.
TTC21B-related disorder. Also called: TTC21B-related condition; TTC21B-related disorders.
Nephronophthisis. Also called: Juvenile Nephronophthisis. Identifiers: Orphanet 655, MedGen C0687120, MONDO:0019005, HP:0000090.
Jeune thoracic dystrophy. Also called: Short-rib thoracic dysplasia; Jeune syndrome; Infantile thoracic dystrophy; Thoracic pelvic phalangeal dystrophy; Jeune's syndrome; Chondroectodermal dysplasia-like syndrome. Identifiers: Orphanet 474, MedGen C0265275, MONDO:0018770.
Nephronophthisis 12 (NPHP12). Identifiers: Orphanet 655, MedGen C3151186, MONDO:0013442, OMIM 613820.
Asphyxiating thoracic dystrophy 4 (SRTD4). Also called: SHORT-RIB THORACIC DYSPLASIA 4 WITH OR WITHOUT POLYDACTYLY; SHORT-RIB THORACIC DYSPLASIA 4. Identifiers: Orphanet 474, MedGen C3151185, MONDO:0013441, OMIM 613819.

Allele frequency attached by ClinVar (database versions not stated): ExAC 0.00004; gnomAD exomes 0.00004 and 0.00005; TOPMed 0.00006; gnomAD 0.00010; 1000 Genomes Project 30x 0.00016; 1000 Genomes Project 0.00020.
gnomAD v4.1: 88 of 1,606,386 alleles (0.0055%); highest among the groups gnomAD compares: Admixed American, 0.015%; no homozygotes.

Submissions (5):

PreventionGenetics, part of Exact Sciences
Classification: Uncertain significance for TTC21B-related condition. Last evaluated: 2026-05-10. Review status: criteria provided, single submitter. Criteria: ACMG Guidelines, 2015. Collection method: clinical testing. Allele origin: germline.
Comment: The TTC21B c.437T>G variant is predicted to result in the amino acid substitution p.Val146Gly. To our knowledge, this variant has not been reported in the literature. This variant is reported in 0.017% of alleles in individuals of Latino descent in gnomAD. At this time, the clinical significance of this variant is uncertain due to the absence of conclusive functional and genetic evidence.

Labcorp Genetics (formerly Invitae), Labcorp
Classification: Uncertain significance for Jeune thoracic dystrophy; Nephronophthisis. Last evaluated: 2024-01-22. Review status: criteria provided, single submitter. Criteria: Invitae Variant Classification Sherloc (09022015). Collection method: clinical testing. Allele origin: germline.
Comment: This sequence change replaces valine, which is neutral and non-polar, with glycine, which is neutral and non-polar, at codon 146 of the TTC21B protein (p.Val146Gly). This variant is present in population databases (rs200916501, gnomAD 0.02%). This variant has not been reported in the literature in individuals affected with TTC21B-related conditions. ClinVar contains an entry for this variant (Variation ID: 1468232). Advanced modeling of protein sequence and biophysical properties (such as structural, functional, and spatial information, amino acid conservation, physicochemical variation, residue mobility, and thermodynamic stability) performed at Invitae indicates that this missense variant is not expected to disrupt TTC21B protein function with a negative predictive value of 95%. In summary, the available evidence is currently insufficient to determine the role of this variant in disease. Therefore, it has been classified as a Variant of Uncertain Significance.

Blueprint Genetics
Classification: Uncertain significance. Last evaluated: 2023-12-04. Review status: criteria provided, single submitter. Criteria: ACMG Guidelines, 2015. Collection method: clinical testing. Allele origin: germline.

Ambry Genetics
Classification: Uncertain significance for Inborn genetic diseases. Last evaluated: 2023-01-26. Review status: criteria provided, single submitter. Criteria: Ambry Variant Classification Scheme 2023. Collection method: clinical testing. Allele origin: germline.

Fulgent Genetics
Classification: Uncertain significance for Asphyxiating thoracic dystrophy 4; Nephronophthisis 12. Last evaluated: 2021-08-05. Review status: criteria provided, single submitter. Criteria: ACMG Guidelines, 2015. Collection method: clinical testing. Allele origin: unknown.

NM_024753.5(TTC21B):c.437T>G (p.Val146Gly)

Genes: TTC21B (tetratricopeptide repeat domain 21B; minus strand), TTC21B-AS1 (TTC21B antisense RNA 1; plus strand). Cytogenetic location: 2q24.3.
Variant type: single nucleotide variant.
Coding change: c.437T>G on transcript NM_024753.5 (MANE Select); coding-DNA position 437, T replaced by G.
Protein change: p.Val146Gly; replaces valine 146 with glycine.
Molecular consequence: missense variant.
Genome position (GRCh38, 1-based): chr2:165,943,334, A>C on the plus strand (T>G on the coding strand, the complement: TTC21B is on the minus strand). VCF-style: chr2-165943334-A-C. GRCh37 (hg19) VCF-style: chr2-166799844-A-C.
Other names: c.437T>G (NM_024753.4, NM_024753.3); short protein forms V146G.
Identifiers: ClinVar variation 1468232 (VCV001468232.9), dbSNP rs200916501, ClinGen allele CA1942433.